The following is an entry in ClinVar:

NM_024306.5(FA2H):c.957C>G (p.His319Gln)

Gene: FA2H (fatty acid 2-hydroxylase; minus strand). Cytogenetic location: 16q23.1.
Variant type: single nucleotide variant.
Coding change: c.957C>G on transcript NM_024306.5 (MANE Select); coding-DNA position 957, C replaced by G.
Protein change: p.His319Gln; replaces histidine 319 with glutamine.
Molecular consequence: missense variant.
Genome position (GRCh38, 1-based): chr16:74,716,429, G>C on the plus strand (C>G on the coding strand, the complement: FA2H is on the minus strand). VCF-style: chr16-74716429-G-C. GRCh37 (hg19) VCF-style: chr16-74750327-G-C.
Other names: short protein forms H319Q.
Identifiers: ClinVar variation 1359235 (VCV001359235.6), dbSNP rs1293252892, ClinGen allele CA396768988.

ClinVar aggregate classification (germline): Uncertain significance (1 of 4 stars; one submission).

Conditions:
Spastic paraplegia. Identifiers: MedGen C0037772, HP:0001258.

Allele frequency attached by ClinVar (database versions not stated): gnomAD 0.00001.
gnomAD v4.1: 2 of 1,613,974 alleles (0.00012%); highest among the groups gnomAD compares: African/African-American, 0.0027%; no homozygotes.

Submission:

Labcorp Genetics (formerly Invitae), Labcorp
Classification: Uncertain significance for Spastic paraplegia. Last evaluated: 2021-12-02. Review status: criteria provided, single submitter. Criteria: Invitae Variant Classification Sherloc (09022015). Collection method: clinical testing. Allele origin: germline.
Comment: This sequence change replaces histidine, which is basic and polar, with glutamine, which is neutral and polar, at codon 319 of the FA2H protein (p.His319Gln). This variant is present in population databases (no rsID available, gnomAD 0.01%). This variant has not been reported in the literature in individuals affected with FA2H-related conditions. Advanced modeling of protein sequence and biophysical properties (such as structural, functional, and spatial information, amino acid conservation, physicochemical variation, residue mobility, and thermodynamic stability) performed at Invitae indicates that this missense variant is expected to disrupt FA2H protein function. Algorithms developed to predict the effect of sequence changes on RNA splicing suggest that this variant may create or strengthen a splice site. In summary, the available evidence is currently insufficient to determine the role of this variant in disease. Therefore, it has been classified as a Variant of Uncertain Significance.